The following is an entry in ClinVar:

ClinVar aggregate classification (germline): Uncertain significance (1 of 4 stars; one submission).

Conditions:
Retinoblastoma (RB1). Also called: RETINOBLASTOMA, SOMATIC. Identifiers: Orphanet 790, MedGen C0035335, MeSH D012175, MONDO:0008380, OMIM 180200, HP:0009919. Disease mechanism: loss of function. Inheritance: Both sporadic and heritable forms are tested..

gnomAD v4.1: 1 of 1,390,408 alleles (0.000072%); highest among the groups gnomAD compares: African/African-American, 0.0015%; no homozygotes.

Submission:

Labcorp Genetics (formerly Invitae), Labcorp
Classification: Uncertain significance for Retinoblastoma. Last evaluated: 2025-12-23. Review status: criteria provided, single submitter. Criteria: Invitae Variant Classification Sherloc (09022015). Collection method: clinical testing. Allele origin: germline.
Comment: This variant occurs in a non-coding region of the RB1 gene. It does not change the encoded amino acid sequence of the RB1 protein. This variant is not present in population databases (gnomAD no frequency). This variant has not been reported in the literature in individuals affected with RB1-related conditions. In summary, the available evidence is currently insufficient to determine the role of this variant in disease. Therefore, it has been classified as a Variant of Uncertain Significance.

NM_000321.3(RB1):c.-128C>T

Gene: RB1 (RB transcriptional corepressor 1; plus strand). Cytogenetic location: 13q14.2.
Variant type: single nucleotide variant.
Coding change: c.-128C>T on transcript NM_000321.3 (MANE Select); 128 bases upstream of the start codon, C replaced by T.
Molecular consequence: 5 prime UTR variant.
Genome position (GRCh38, 1-based): chr13:48,303,785, C>T. VCF-style: chr13-48303785-C-T. GRCh37 (hg19) VCF-style: chr13-48877921-C-T.
Other names: c.-128C>T (NM_001407165.1, NM_001407166.1, NM_001407167.1).
Identifiers: ClinVar variation 4745335 (VCV004745335.1).